The following is an entry in ClinVar:

NM_000465.4(BARD1):c.1912G>C (p.Ala638Pro)

Gene: BARD1 (BRCA1 associated RING domain 1; minus strand). Cytogenetic location: 2q35.
Variant type: single nucleotide variant.
Coding change: c.1912G>C on transcript NM_000465.4 (MANE Select); coding-DNA position 1912, G replaced by C.
Protein change: p.Ala638Pro; replaces alanine 638 with proline.
Molecular consequence: missense variant. On other transcripts: non-coding transcript variant (3).
Genome position (GRCh38, 1-based): chr2:214,730,500, C>G on the plus strand (G>C on the coding strand, the complement: BARD1 is on the minus strand). VCF-style: chr2-214730500-C-G. GRCh37 (hg19) VCF-style: chr2-215595224-C-G.
Other names: c.1855G>C, p.Ala619Pro (NM_001282543.2); c.559G>C, p.Ala187Pro (NM_001282545.2); c.502G>C, p.Ala168Pro (NM_001282548.2); c.373G>C, p.Ala125Pro (NM_001282549.2); short protein forms A638P, A125P, A619P, A168P, A187P.
Identifiers: ClinVar variation 580348 (VCV000580348.12), dbSNP rs756136465, ClinGen allele CA350451317.

ClinVar aggregate classification (germline): Uncertain significance (1 of 4 stars; one submission).

Conditions:
Familial cancer of breast. Also called: BREAST CANCER, FAMILIAL; hereditary breast carcinoma; Hereditary breast cancer. Identifiers: Orphanet 227535, MedGen C0346153, MONDO:0016419, OMIM 114480. Disease mechanism: loss of function.

Submission:

Labcorp Genetics (formerly Invitae), Labcorp
Classification: Uncertain significance for Familial cancer of breast. Last evaluated: 2024-10-28. Review status: criteria provided, single submitter. Criteria: Invitae Variant Classification Sherloc (09022015). Collection method: clinical testing. Allele origin: germline.
Comment: This sequence change replaces alanine, which is neutral and non-polar, with proline, which is neutral and non-polar, at codon 638 of the BARD1 protein (p.Ala638Pro). This variant is not present in population databases (gnomAD no frequency). This variant has not been reported in the literature in individuals affected with BARD1-related conditions. ClinVar contains an entry for this variant (Variation ID: 580348). An algorithm developed to predict the effect of missense changes on protein structure and function (PolyPhen-2) suggests that this variant is likely to be disruptive. In summary, the available evidence is currently insufficient to determine the role of this variant in disease. Therefore, it has been classified as a Variant of Uncertain Significance.